The following is an entry in ClinVar:

ClinVar aggregate classification (germline): Benign/Likely benign. Review status: criteria provided, multiple submitters, no conflicts (2 of 4 stars). 3 submissions from 3 submitters: Benign (1); Likely benign (1). 1 of the submissions does not count toward it. Last evaluated 2024-10-28.

Conditions:
Thrombocytopenia. Identifiers: MedGen C0040034, MeSH D013921, MONDO:0002049, HP:0001873.
MASTL-related disorder. Also called: MASTL-related condition.

Allele frequency attached by ClinVar (database versions not stated): gnomAD 0.00041 and 0.00044; gnomAD exomes 0.00042 and 0.00052; ExAC 0.00044; TOPMed 0.00045; ESP Exome Variant Server 0.00062.
gnomAD v4.1: 820 of 1,610,078 alleles (0.051%); highest among the groups gnomAD compares: South Asian, 0.076%; 1 homozygote.

Submissions (3):

Blueprint Genetics
Classification: Likely benign. Last evaluated: 2024-10-28. Review status: criteria provided, single submitter. Criteria: ACMG Guidelines, 2015. Collection method: clinical testing. Allele origin: germline.

Illumina Laboratory Services, Illumina
Classification: Benign for Thrombocytopenia. Last evaluated: 2018-01-13. Review status: criteria provided, single submitter. Criteria: ICSL Variant Classification Criteria 13 December 2019. Collection method: clinical testing. Allele origin: germline.
Comment: This variant was observed in the ICSL laboratory as part of a predisposition screen in an ostensibly healthy population. It had not been previously curated by ICSL or reported in the Human Gene Mutation Database (HGMD: prior to June 1st, 2018), and was therefore a candidate for classification through an automated scoring system. Utilizing variant allele frequency, disease prevalence and penetrance estimates, and inheritance mode, an automated score was calculated to assess if this variant is too frequent to cause the disease. Based on the score and internal cut-off values, a variant classified as benign is not then subjected to further curation. The score for this variant resulted in a classification of benign for this disease.

PreventionGenetics, part of Exact Sciences
Classification: Likely benign for MASTL-related condition. Last evaluated: 2019-06-25. Review status: no assertion criteria provided. Collection method: clinical testing. Allele origin: germline. Not counted in ClinVar's aggregate classification.
Comment: This variant is classified as likely benign based on ACMG/AMP sequence variant interpretation guidelines (Richards et al. 2015 PMID: 25741868, with internal and published modifications).

NM_001172303.3(MASTL):c.812-8C>T

Gene: MASTL (microtubule associated serine/threonine kinase like; plus strand). Cytogenetic location: 10p12.1.
Variant type: single nucleotide variant.
Coding change: c.812-8C>T on transcript NM_001172303.3 (MANE Select); 8 bases into the intron before coding-DNA position 812, C replaced by T.
Molecular consequence: intron variant.
Genome position (GRCh38, 1-based): chr10:27,167,094, C>T. VCF-style: chr10-27167094-C-T. GRCh37 (hg19) VCF-style: chr10-27456023-C-T.
Other names: c.329-8C>T (NM_001372029.1, NM_001372030.1); c.812-8C>T (NM_001320757.2, NM_001320756.2, NM_032844.5 and 2 more transcripts).
Identifiers: ClinVar variation 877441 (VCV000877441.7), dbSNP rs190402403, ClinGen allele CA5450079.